The following is an entry in ClinVar:

ClinVar aggregate classification (germline): Pathogenic/Likely pathogenic. Review status: criteria provided, multiple submitters, no conflicts (2 of 4 stars). 4 submissions from 4 submitters: Pathogenic (1); Likely pathogenic (3). Last evaluated 2026-04-02.

Conditions:
FOXRED1-related disorders.
Leigh syndrome (NULS). Also called: Leigh Disease; Subacute necrotizing encephalopathy; Necrotizing encephalopathy infantile subacute of Leigh; Leigh's necrotizing encephalopathy; Leigh's disease; Leigh's syndrome. Identifiers: Orphanet 506, MedGen C2931891, MONDO:0009723, OMIM 256000.

Allele frequency attached by ClinVar (database versions not stated): ExAC 0.00001; gnomAD 0.00001; gnomAD exomes below 0.00001.
gnomAD v4.1: 7 of 1,613,958 alleles (0.00043%); highest among the groups gnomAD compares: African/African-American, 0.0013%; no homozygotes.

Submissions (4):

GeneDx
Classification: Pathogenic. Last evaluated: 2026-04-02. Review status: criteria provided, single submitter. Criteria: GeneDx Variant Classification Process June 2021. Collection method: clinical testing. Allele origin: germline.
Comment: Nonsense variant predicted to result in protein truncation or nonsense mediated decay in a gene for which loss of function is a known mechanism of disease; Not observed at significant frequency in large population cohorts (gnomAD); Has not been previously published as pathogenic or benign to our knowledge

Dasa
Classification: Likely pathogenic. Last evaluated: 2025-08-25. Review status: criteria provided, single submitter. Criteria: DASA Assertion Criteria. Collection method: clinical testing. Allele origin: germline.
Comment: NM_017547.4(FOXRED1):c.265C>T (p.Arg89*) is a nonsense variant in FOXRED1 predicted to introduce a premature termination codon and is predicted to result in an absent or altered protein product. Loss of function is an established disease mechanism for FOXRED1-associated disorders. Also, this variant is rare in population databases. Based on the currently available evidence, this variant is classified as likely pathogenic.

Women's Health and Genetics/Laboratory Corporation of America, LabCorp
Classification: Likely pathogenic for Leigh syndrome. Last evaluated: 2023-03-30. Review status: criteria provided, single submitter. Criteria: LabCorp Variant Classification Summary - May 2015. Collection method: clinical testing. Allele origin: germline.
Comment: Variant summary: FOXRED1 c.265C>T (p.Arg89X) results in a premature termination codon, predicted to cause a truncation of the encoded protein or absence of the protein due to nonsense mediated decay, which are commonly known mechanisms for disease. Truncations downstream of this position have been classified as pathogenic by our laboratory. The variant allele was found at a frequency of 4e-06 in 251452 control chromosomes (gnomAD). To our knowledge, no occurrence of c.265C>T in individuals affected with Leigh Syndrome and no experimental evidence demonstrating its impact on protein function have been reported. No clinical diagnostic laboratories have submitted clinical-significance assessments for this variant to ClinVar after 2014. Based on the evidence outlined above, the variant was classified as likely pathogenic.

Blueprint Genetics
Classification: Likely pathogenic for FOXRED1-related disorders. Last evaluated: 2022-08-25. Review status: criteria provided, single submitter. Criteria: ACMG Guidelines, 2015. Collection method: clinical testing. Allele origin: germline. Affected: yes. Observed: 3 variant alleles.

NM_017547.4(FOXRED1):c.265C>T (p.Arg89Ter)

Gene: FOXRED1 (FAD dependent oxidoreductase domain containing 1; plus strand). Cytogenetic location: 11q24.2.
Variant type: single nucleotide variant.
Coding change: c.265C>T on transcript NM_017547.4 (MANE Select); coding-DNA position 265, C replaced by T.
Protein change: p.Arg89Ter; replaces arginine 89 with a stop codon.
Molecular consequence: nonsense. On other transcripts: non-coding transcript variant (1).
Genome position (GRCh38, 1-based): chr11:126,271,616, C>T. VCF-style: chr11-126271616-C-T. GRCh37 (hg19) VCF-style: chr11-126141511-C-T.
Other names: short protein forms R89*.
Identifiers: ClinVar variation 2501225 (VCV002501225.5), dbSNP rs758408106, ClinGen allele CA6354012.
Genomic context (GRCh38, chr11:126,271,616, plus strand): 5'-GTGGGAGGTGGGGTGCTTGGCTTGTCTGTGGCCTATTGGCTGAAGAAGCTGGAGAGCAGA[C>T]GAGGTGCTATTCGAGTGCTAGTGGTGGAACGGGACCACACGGTGAGGTCTGGGGTAGGGC-3'